The following is an entry in ClinVar:

NM_001040108.2(MLH3):c.1313C>T (p.Ala438Val)

Gene: MLH3 (mutL homolog 3; minus strand). Cytogenetic location: 14q24.3.
Variant type: single nucleotide variant.
Coding change: c.1313C>T on transcript NM_001040108.2 (MANE Select); coding-DNA position 1313, C replaced by T.
Protein change: p.Ala438Val; replaces alanine 438 with valine.
Molecular consequence: missense variant.
Genome position (GRCh38, 1-based): chr14:75,048,343, G>A on the plus strand (C>T on the coding strand, the complement: MLH3 is on the minus strand). VCF-style: chr14-75048343-G-A. GRCh37 (hg19) VCF-style: chr14-75515046-G-A.
Other names: c.1313C>T, p.Ala438Val (NM_014381.3); short protein forms A438V.
Identifiers: ClinVar variation 1769719 (VCV001769719.6), dbSNP rs1343282239, ClinGen allele CA390446500.

ClinVar aggregate classification (germline): Uncertain significance. Review status: criteria provided, multiple submitters, no conflicts (2 of 4 stars). 2 submissions from 2 submitters: Uncertain significance (2). Last evaluated 2024-10-23.

Conditions:
Colorectal cancer, hereditary nonpolyposis, type 7. Identifiers: Orphanet 144, MedGen C1858380, MONDO:0013725, OMIM 614385.

Submissions (2):

Ambry Genetics
Classification: Uncertain significance. Last evaluated: 2024-10-23. Review status: criteria provided, single submitter. Criteria: Ambry Variant Classification Scheme 2023. Collection method: clinical testing. Allele origin: germline.
Comment: The p.A438V variant (also known as c.1313C>T), located in coding exon 1 of the MLH3 gene, results from a C to T substitution at nucleotide position 1313. The alanine at codon 438 is replaced by valine, an amino acid with similar properties. This amino acid position is conserved. In addition, this alteration is predicted to be tolerated by in silico analysis. Since supporting evidence is limited at this time, the clinical significance of this alteration remains unclear.

Labcorp Genetics (formerly Invitae), Labcorp
Classification: Uncertain significance for Colorectal cancer, hereditary nonpolyposis, type 7. Last evaluated: 2023-01-05. Review status: criteria provided, single submitter. Criteria: Invitae Variant Classification Sherloc (09022015). Collection method: clinical testing. Allele origin: germline.
Comment: ClinVar contains an entry for this variant (Variation ID: 1769719). In summary, the available evidence is currently insufficient to determine the role of this variant in disease. Therefore, it has been classified as a Variant of Uncertain Significance. Algorithms developed to predict the effect of missense changes on protein structure and function are either unavailable or do not agree on the potential impact of this missense change (SIFT: "Deleterious"; PolyPhen-2: "Benign"; Align-GVGD: "Class C0"). This variant has not been reported in the literature in individuals affected with MLH3-related conditions. This variant is not present in population databases (gnomAD no frequency). This sequence change replaces alanine, which is neutral and non-polar, with valine, which is neutral and non-polar, at codon 438 of the MLH3 protein (p.Ala438Val).